The following is an entry in ClinVar:

ClinVar aggregate classification (germline): Uncertain significance. Review status: criteria provided, multiple submitters, no conflicts (2 of 4 stars). 3 submissions from 3 submitters: Uncertain significance (3). Last evaluated 2024-10-10.

Conditions:
Hereditary breast ovarian cancer syndrome. Also called: BRCA1- and BRCA2-Associated Hereditary Breast and Ovarian Cancer; Hereditary breast and ovarian cancer syndrome; Hereditary breast and/or ovarian cancer syndrome; Hereditary breast and ovarian cancer; Hereditary breast and ovarian cancer syndrome (HBOC); Breast and ovarian cancer. Identifiers: Orphanet 145, MedGen C0677776, MeSH D061325, MONDO:0003582. Disease mechanism: loss of function.

Submissions (3):

Labcorp Genetics (formerly Invitae), Labcorp
Classification: Uncertain significance for Hereditary breast ovarian cancer syndrome. Last evaluated: 2024-10-10. Review status: criteria provided, single submitter. Criteria: Invitae Variant Classification Sherloc (09022015). Collection method: clinical testing. Allele origin: germline.
Comment: This sequence change replaces serine, which is neutral and polar, with asparagine, which is neutral and polar, at codon 153 of the BRCA1 protein (p.Ser153Asn). This variant is not present in population databases (gnomAD no frequency). This variant has not been reported in the literature in individuals affected with BRCA1-related conditions. ClinVar contains an entry for this variant (Variation ID: 801078). Invitae Evidence Modeling of protein sequence and biophysical properties (such as structural, functional, and spatial information, amino acid conservation, physicochemical variation, residue mobility, and thermodynamic stability) indicates that this missense variant is not expected to disrupt BRCA1 protein function with a negative predictive value of 80%. In summary, the available evidence is currently insufficient to determine the role of this variant in disease. Therefore, it has been classified as a Variant of Uncertain Significance.

GeneDx
Classification: Uncertain significance. Last evaluated: 2023-02-03. Review status: criteria provided, single submitter. Criteria: GeneDx Variant Classification Process June 2021. Collection method: clinical testing. Allele origin: germline. Affected: yes.
Comment: Not observed at significant frequency in large population cohorts (gnomAD); In silico analysis supports that this missense variant does not alter protein structure/function; Has not been previously published as pathogenic or benign to our knowledge; Also known as 577G>A; This variant is associated with the following publications: (PMID: 20215511)

Quest Diagnostics Nichols Institute San Juan Capistrano
Classification: Uncertain significance. Last evaluated: 2019-08-23. Review status: criteria provided, single submitter. Criteria: Quest Diagnostics criteria. Collection method: clinical testing. Allele origin: unknown.

NM_007294.4(BRCA1):c.458G>A (p.Ser153Asn)

Gene: BRCA1 (BRCA1 DNA repair associated; minus strand). Cytogenetic location: 17q21.31.
Variant type: single nucleotide variant.
Coding change: c.458G>A on transcript NM_007294.4 (MANE Select); coding-DNA position 458, G replaced by A.
Protein change: p.Ser153Asn; replaces serine 153 with asparagine.
Molecular consequence: missense variant. On other transcripts: non-coding transcript variant (1).
Genome position (GRCh38, 1-based): chr17:43,099,864, C>T on the plus strand (G>A on the coding strand, the complement: BRCA1 is on the minus strand). VCF-style: chr17-43099864-C-T. GRCh37 (hg19) VCF-style: chr17-41251881-C-T.
Other names: c.77G>A, p.Ser26Asn (NM_001407960.1, NM_001407963.1, NM_001407965.1 and 3 more transcripts); c.455G>A, p.Ser152Asn (NM_001407645.1, NM_001407649.1, NM_001407587.1 and 65 more transcripts); c.449G>A, p.Ser150Asn (NM_001407646.1, NM_001407647.1, NM_001408408.1); c.74G>A, p.Ser25Asn (NM_001407962.1); c.458G>A, p.Ser153Asn (NM_001407969.1, NM_001407970.1, NM_001407968.1 and 97 more transcripts); c.314G>A, p.Ser105Asn (NM_001407964.1, NM_001407740.1, NM_001407741.1 and 35 more transcripts); c.380G>A, p.Ser127Asn (NM_001407653.1, NM_001407654.1, NM_001407655.1 and 12 more transcripts); c.245G>A, p.Ser82Asn (NM_001407571.1, NM_001407853.1, NM_001407894.1 and 18 more transcripts); and 4 more; short protein forms S153N, S106N, S25N, S105N, S108N, S126N, S127N, S152N.
Identifiers: ClinVar variation 801078 (VCV000801078.14), dbSNP rs1597888197, ClinGen allele CA10601219.